The following is an entry in ClinVar:

ClinVar aggregate classification (germline): Conflicting classifications of pathogenicity. Review status: criteria provided, conflicting classifications (1 of 4 stars). 2 submissions from 2 submitters: Uncertain significance (1); Likely benign (1). Last evaluated 2023-03-23.

Conditions:
Hereditary cancer-predisposing syndrome. Also called: Neoplastic Syndromes, Hereditary; Tumor predisposition; Hereditary Cancer Syndrome; Hereditary neoplastic syndrome. Identifiers: Orphanet 140162, MedGen C0027672, MeSH D009386, MONDO:0015356.

Allele frequency attached by ClinVar (database versions not stated): TOPMed below 0.00001.
gnomAD v4.1: 1 of 1,613,860 alleles (0.000062%); highest among the groups gnomAD compares: Non-Finnish European, 0.000085%; no homozygotes.

Submissions (2):

University of Washington Department of Laboratory Medicine, University of Washington
Classification: Likely benign for Hereditary cancer-predisposing syndrome. Last evaluated: 2023-03-23. Review status: criteria provided, single submitter. Criteria: Dines et al. (Genet Med. 2020). Collection method: curation. Allele origin: germline.
Comment: Missense variant in a coldspot region where missense variants are very unlikely to be pathogenic (PMID:31911673).

BRCA2 exon 11 coldspot. Reclassification based on statistical prior probability.

Color Diagnostics, LLC DBA Color Health
Classification: Uncertain significance for Hereditary cancer-predisposing syndrome. Last evaluated: 2019-09-12. Review status: criteria provided, single submitter. Criteria: ACMG Guidelines, 2015. Collection method: clinical testing. Allele origin: germline.
Comment: This missense variant replaces glutamine with lysine at codon 1502 of the BRCA2 protein. Computational prediction tool suggests that this variant may not impact protein structure and function (internally defined REVEL score threshold <= 0.5, PMID: 27666373). Splice site prediction tools suggest that this variant may not impact RNA splicing. To our knowledge, functional studies have not been performed for this variant. This variant has not been reported in individuals affected with hereditary cancer in the literature. This variant has not been identified in the general population by the Genome Aggregation Database (gnomAD). The available evidence is insufficient to determine the role of this variant in disease conclusively. Therefore, this variant is classified as a Variant of Uncertain Significance.

NM_000059.4(BRCA2):c.4504C>A (p.Gln1502Lys)

Gene: BRCA2 (BRCA2 DNA repair associated; plus strand). Cytogenetic location: 13q13.1.
Variant type: single nucleotide variant.
Coding change: c.4504C>A on transcript NM_000059.4 (MANE Select); coding-DNA position 4504, C replaced by A.
Protein change: p.Gln1502Lys; replaces glutamine 1502 with lysine.
Molecular consequence: missense variant.
Genome position (GRCh38, 1-based): chr13:32,338,859, C>A. VCF-style: chr13-32338859-C-A. GRCh37 (hg19) VCF-style: chr13-32912996-C-A.
Other names: short protein forms Q1502K.
Identifiers: ClinVar variation 925686 (VCV000925686.5), dbSNP rs1060502425, ClinGen allele CA387781594.